The following is an entry in ClinVar:

NM_018294.6(CWF19L1):c.62T>C (p.Leu21Ser)

Gene: CWF19L1 (CWF19 like cell cycle control factor 1; minus strand). Cytogenetic location: 10q24.31.
Variant type: single nucleotide variant.
Coding change: c.62T>C on transcript NM_018294.6 (MANE Select); coding-DNA position 62, T replaced by C.
Protein change: p.Leu21Ser; replaces leucine 21 with serine.
Molecular consequence: missense variant. On other transcripts: 5 prime UTR variant (2), intron variant (1).
Genome position (GRCh38, 1-based): chr10:100,262,025, A>G on the plus strand (T>C on the coding strand, the complement: CWF19L1 is on the minus strand). VCF-style: chr10-100262025-A-G. GRCh37 (hg19) VCF-style: chr10-102021782-A-G.
Other names: c.62T>C, p.Leu21Ser (NM_001303404.2); c.-350T>C (NM_001303405.2); c.-443T>C (NM_001303407.2); c.-123+5546T>C (NM_001303406.2); short protein forms L21S.
Identifiers: ClinVar variation 3901934 (VCV003901934.1).

ClinVar aggregate classification (germline): Uncertain significance (1 of 4 stars; one submission).

Conditions:
Autosomal recessive spinocerebellar ataxia 17. Identifiers: Orphanet 453521, MedGen C4015301, MONDO:0014503, OMIM 616127.

Submission:

Laboratorio de Genetica e Diagnostico Molecular, Hospital Israelita Albert Einstein
Classification: Uncertain significance for Autosomal recessive spinocerebellar ataxia 17. Last evaluated: 2024-10-21. Review status: criteria provided, single submitter. Criteria: ACMG Guidelines, 2015. Collection method: clinical testing. Allele origin: germline. Affected: yes.
Comment: ACMG classification criteria: PM2 supporting, PP3 supporting